The following is an entry in ClinVar:

NC_000002.11:g.(?_200136914)_(200298257_?)dup

Gene: SATB2 (SATB homeobox 2; minus strand). Cytogenetic location: 2q33.1.
Variant type: Duplication.
Identifiers: ClinVar variation 1023605 (VCV001023605.1).

ClinVar aggregate classification (germline): Uncertain significance (1 of 4 stars; one submission).

Conditions:
Chromosome 2q32-q33 deletion syndrome (GLASS). Also called: 2q33.1 deletion syndrome; Glass syndrome. Identifiers: Orphanet 251019, MedGen C2676739, MONDO:0012864, OMIM 612313.

Submission:

Labcorp Genetics (formerly Invitae), Labcorp
Classification: Uncertain significance for Chromosome 2q32-q33 deletion syndrome. Last evaluated: 2020-01-28. Review status: criteria provided, single submitter. Criteria: Invitae Variant Classification Sherloc (09022015). Collection method: clinical testing. Allele origin: germline.
Comment: This variant results in a copy number gain of the genomic region encompassing exons 4-12 of the SATB2 gene. The 5' boundary is likely confined to intron 3. The 3' end of this event is unknown as it extends beyond the assayed region for this gene and therefore may encompass additional genes. As the precise location of this event is unknown, it may be in tandem or it may be located elsewhere in the genome. This variant has not been reported in the literature in individuals with SATB2-related conditions. In summary, the available evidence is currently insufficient to determine the role of this variant in disease. Therefore, it has been classified as a Variant of Uncertain Significance.